The following is an entry in ClinVar:

ClinVar aggregate classification (germline): Benign/Likely benign. Review status: criteria provided, multiple submitters, no conflicts (2 of 4 stars). 2 submissions from 2 submitters: Benign (1); Likely benign (1). Last evaluated 2025-01-28.

Conditions:
Hereditary cancer-predisposing syndrome. Also called: Neoplastic Syndromes, Hereditary; Tumor predisposition; Hereditary Cancer Syndrome; Hereditary neoplastic syndrome. Identifiers: Orphanet 140162, MedGen C0027672, MeSH D009386, MONDO:0015356.
Lynch syndrome 4 (LYNCH4). Also called: Colorectal cancer, hereditary nonpolyposis, type 4; Hereditary non-polyposis colorectal cancer, type 4. Identifiers: Orphanet 144, MedGen C1838333, MONDO:0013699, OMIM 614337. Disease mechanism: loss of function.

Allele frequency attached by ClinVar (database versions not stated): gnomAD exomes below 0.00001.
gnomAD v4.1: 4 of 1,493,316 alleles (0.00027%); highest among the groups gnomAD compares: Non-Finnish European, 0.00037%; no homozygotes.

Submissions (2):

Myriad Genetics, Inc.
Classification: Benign for Lynch syndrome 4. Last evaluated: 2025-01-28. Review status: criteria provided, single submitter. Criteria: Myriad Autosomal Dominant, Autosomal Recessive and X-Linked Classification Criteria (2023). Collection method: clinical testing. Allele origin: unknown.
Comment: This variant is considered benign. This variant is a silent/synonymous amino acid change and it is not expected to impact splicing.

Ambry Genetics
Classification: Likely benign for Hereditary cancer-predisposing syndrome. Last evaluated: 2021-05-26. Review status: criteria provided, single submitter. Criteria: Ambry Variant Classification Scheme 2023. Collection method: clinical testing. Allele origin: germline.

NM_000535.7(PMS2):c.801T>C (p.Phe267=)

Gene: PMS2 (PMS1 homolog 2, mismatch repair system component; minus strand). Cytogenetic location: 7p22.1.
Variant type: single nucleotide variant.
Coding change: c.801T>C on transcript NM_000535.7 (MANE Select); coding-DNA position 801, T replaced by C.
Protein change: p.Phe267=; no amino-acid change (phenylalanine 267 retained).
Molecular consequence: synonymous variant. On other transcripts: 5 prime UTR variant (2), non-coding transcript variant (1), intron variant (3).
Genome position (GRCh38, 1-based): chr7:5,997,328, A>G on the plus strand (T>C on the coding strand, the complement: PMS2 is on the minus strand). VCF-style: chr7-5997328-A-G. GRCh37 (hg19) VCF-style: chr7-6036959-A-G.
Other names: c.396T>C, p.Phe132= (NM_001018040.1, NM_001322003.2, NM_001322004.2 and 20 more transcripts); c.801T>C, p.Phe267= (NM_001322006.2, NM_001322014.2, NM_001406870.1 and 3 more transcripts); c.483T>C, p.Phe161= (NM_001322007.2, NM_001322008.2, NM_001406876.1 and 4 more transcripts); c.-133T>C (NM_001322011.2, NM_001322012.2); c.228T>C, p.Phe76= (NM_001322013.2, NM_001406909.1); c.492T>C, p.Phe164= (NM_001322015.2, NM_001406875.1, NM_001406877.1 and 6 more transcripts); c.987T>C, p.Phe329= (NM_001406866.1); c.825T>C, p.Phe275= (NM_001406868.1); and 7 more.
Identifiers: ClinVar variation 1761699 (VCV001761699.3), dbSNP rs1554301382, ClinGen allele CA453646080.